The following is an entry in ClinVar:

NM_000548.5(TSC2):c.4496T>G (p.Phe1499Cys)

Gene: TSC2 (TSC complex subunit 2; plus strand). Cytogenetic location: 16p13.3.
Variant type: single nucleotide variant.
Coding change: c.4496T>G on transcript NM_000548.5 (MANE Select); coding-DNA position 4496, T replaced by G.
Protein change: p.Phe1499Cys; replaces phenylalanine 1499 with cysteine.
Molecular consequence: missense variant.
Genome position (GRCh38, 1-based): chr16:2,084,953, T>G. VCF-style: chr16-2084953-T-G. GRCh37 (hg19) VCF-style: chr16-2134954-T-G.
Other names: c.4151T>G, p.Phe1384Cys (NM_001318829.2); c.3764T>G, p.Phe1255Cys (NM_001318831.2); c.4328T>G, p.Phe1443Cys (NM_001318832.2); c.4298T>G, p.Phe1433Cys (NM_001363528.2); c.4364T>G, p.Phe1455Cys (NM_001370404.1); c.4367T>G, p.Phe1456Cys (NM_001370405.1, NM_021055.3); c.4295T>G, p.Phe1432Cys (NM_001077183.3); c.4427T>G, p.Phe1476Cys (NM_001114382.3); and 1 more; short protein forms F1443C, F1499C, F1456C, F1255C, F1384C, F1396C, F1432C, F1433C.
Identifiers: ClinVar variation 824940 (VCV000824940.8), dbSNP rs1596422033, ClinGen allele CA394302686.
Genomic context (GRCh38, chr16:2,084,953, plus strand): 5'-GCTGTGGCTGCCCTGGCCAGGCCCTCACCTGGGTGCCCACCATCCCCTCCCTGTGCAGTT[T>G]CGTGTTCCTGCAGCTCTACCATTCCCCCTTCTTTGGCGACGAGTCAAACAAGCCAATCCT-3'
Protein context (NP_000539.2, residues 1489-1509): AEKVPGINPS[Phe1499Cys]VFLQLYHSPF

ClinVar aggregate classification (germline): Uncertain significance. Review status: criteria provided, multiple submitters, no conflicts (2 of 4 stars). 2 submissions from 2 submitters: Uncertain significance (2). Last evaluated 2026-07-08.

Conditions:
Hereditary cancer-predisposing syndrome. Also called: Tumor predisposition; Hereditary neoplastic syndrome; Neoplastic Syndromes, Hereditary; Hereditary Cancer Syndrome. Identifiers: Orphanet 140162, MedGen C0027672, MeSH D009386, MONDO:0015356.
Tuberous sclerosis 2 (TSC2). Identifiers: Orphanet 805, MedGen C1860707, MONDO:0013199, OMIM 613254.

gnomAD v4.1: 1 of 1,613,270 alleles (0.000062%); highest among the groups gnomAD compares: Non-Finnish European, 0.000085%; no homozygotes.

Submissions (2):

Ambry Genetics
Classification: Uncertain significance for Hereditary cancer-predisposing syndrome. Last evaluated: 2026-07-08. Review status: criteria provided, single submitter. Criteria: Ambry Variant Classification Scheme 2023. Collection method: clinical testing. Allele origin: germline.
Comment: The p.F1499C variant (also known as c.4496T>G), located in coding exon 34 of the TSC2 gene, results from a T to G substitution at nucleotide position 4496. The phenylalanine at codon 1499 is replaced by cysteine, an amino acid with highly dissimilar properties. This amino acid position is highly conserved in available vertebrate species. In addition, this alteration is predicted to be deleterious by in silico analysis. Based on the available evidence, the clinical significance of this variant remains unclear.

Labcorp Genetics (formerly Invitae), Labcorp
Classification: Uncertain significance for Tuberous sclerosis 2. Last evaluated: 2023-07-13. Review status: criteria provided, single submitter. Criteria: Invitae Variant Classification Sherloc (09022015). Collection method: clinical testing. Allele origin: germline.
Comment: This sequence change replaces phenylalanine, which is neutral and non-polar, with cysteine, which is neutral and slightly polar, at codon 1499 of the TSC2 protein (p.Phe1499Cys). This variant is not present in population databases (gnomAD no frequency). This variant has not been reported in the literature in individuals affected with TSC2-related conditions. ClinVar contains an entry for this variant (Variation ID: 824940). An algorithm developed to predict the effect of missense changes on protein structure and function (PolyPhen-2) suggests that this variant is likely to be disruptive. In summary, the available evidence is currently insufficient to determine the role of this variant in disease. Therefore, it has been classified as a Variant of Uncertain Significance.